The following is an entry in ClinVar:

ClinVar aggregate classification (germline): Uncertain significance (1 of 4 stars; one submission).

Submission:

Labcorp Genetics (formerly Invitae), Labcorp
Classification: Uncertain significance. Last evaluated: 2024-01-12. Review status: criteria provided, single submitter. Criteria: Invitae Variant Classification Sherloc (09022015). Collection method: clinical testing. Allele origin: germline.
Comment: This sequence change replaces arginine, which is basic and polar, with glycine, which is neutral and non-polar, at codon 576 of the BACH2 protein (p.Arg576Gly). This variant is not present in population databases (gnomAD no frequency). This variant has not been reported in the literature in individuals affected with BACH2-related conditions. Advanced modeling of protein sequence and biophysical properties (such as structural, functional, and spatial information, amino acid conservation, physicochemical variation, residue mobility, and thermodynamic stability) performed at Invitae indicates that this missense variant is not expected to disrupt BACH2 protein function with a negative predictive value of 80%. In summary, the available evidence is currently insufficient to determine the role of this variant in disease. Therefore, it has been classified as a Variant of Uncertain Significance.

NM_021813.4(BACH2):c.1726C>G (p.Arg576Gly)

Gene: BACH2 (BACH transcriptional regulator 2; minus strand). Cytogenetic location: 6q15.
Variant type: single nucleotide variant.
Coding change: c.1726C>G on transcript NM_021813.4 (MANE Select); coding-DNA position 1726, C replaced by G.
Protein change: p.Arg576Gly; replaces arginine 576 with glycine.
Molecular consequence: missense variant.
Genome position (GRCh38, 1-based): chr6:89,950,380, G>C on the plus strand (C>G on the coding strand, the complement: BACH2 is on the minus strand). VCF-style: chr6-89950380-G-C. GRCh37 (hg19) VCF-style: chr6-90660099-G-C.
Other names: c.1726C>G, p.Arg576Gly (NM_001170794.2); short protein forms R576G.
Identifiers: ClinVar variation 2709080 (VCV002709080.3), dbSNP rs2533564576, ClinGen allele CA365070216.
Genomic context (GRCh38, chr6:89,950,380, plus strand): 5'-ACGATCCGGATTCGTCACTGGAGTTGGTTCCATAAGACTGCTCACATTTAATTTGGGGCC[G>C]CACTTGGTTGTACATTCCATCTCCCATCAGGCCTGGTTCCTGATGTTCTGTGGCAAGGAA-3'
Protein context (NP_068585.1, residues 566-586): LMGDGMYNQV[Arg576Gly]PQIKCEQSYG